The following is an entry in ClinVar:

ClinVar aggregate classification (germline): Uncertain significance (1 of 4 stars; one submission).

Submission:

Labcorp Genetics (formerly Invitae), Labcorp
Classification: Uncertain significance. Last evaluated: 2022-07-05. Review status: criteria provided, single submitter. Criteria: Invitae Variant Classification Sherloc (09022015). Collection method: clinical testing. Allele origin: germline.
Comment: In summary, the available evidence is currently insufficient to determine the role of this variant in disease. Therefore, it has been classified as a Variant of Uncertain Significance. Algorithms developed to predict the effect of missense changes on protein structure and function are either unavailable or do not agree on the potential impact of this missense change (SIFT: "Deleterious"; PolyPhen-2: "Possibly Damaging"; Align-GVGD: "Class C0"). This variant has not been reported in the literature in individuals affected with ADGRA3-related conditions. This variant is not present in population databases (gnomAD no frequency). This sequence change replaces serine, which is neutral and polar, with asparagine, which is neutral and polar, at codon 118 of the ADGRA3 protein (p.Ser118Asn).

NM_145290.4(ADGRA3):c.353G>A (p.Ser118Asn)

Gene: ADGRA3 (adhesion G protein-coupled receptor A3; minus strand). Cytogenetic location: 4p15.2.
Variant type: single nucleotide variant.
Coding change: c.353G>A on transcript NM_145290.4 (MANE Select); coding-DNA position 353, G replaced by A.
Protein change: p.Ser118Asn; replaces serine 118 with asparagine.
Molecular consequence: missense variant.
Genome position (GRCh38, 1-based): chr4:22,461,785, C>T on the plus strand (G>A on the coding strand, the complement: ADGRA3 is on the minus strand). VCF-style: chr4-22461785-C-T. GRCh37 (hg19) VCF-style: chr4-22463408-C-T.
Other names: short protein forms S118N.
Identifiers: ClinVar variation 2021596 (VCV002021596.4), dbSNP rs2474834375, ClinGen allele CA356480515.